The following is an entry in ClinVar:

ClinVar aggregate classification (germline): Conflicting classifications of pathogenicity. Review status: criteria provided, conflicting classifications (1 of 4 stars). 8 submissions from 8 submitters: Uncertain significance (2); Benign (2); Likely benign (2). 2 of the submissions do not count toward it. Last evaluated 2026-01-27.

Conditions:
TRPM1-related disorder. Also called: TRPM1-related condition.
Retinitis pigmentosa (RP). Identifiers: Orphanet 791, MedGen C0035334, MeSH D012174, MONDO:0019200, OMIM 268000. Inheritance: Autosomal dominant, autosomal recessive and X linked inheritance.
Congenital stationary night blindness 1C. Also called: Night blindness, congenital stationary (complete), 1C, autosomal recessive. Identifiers: Orphanet 215, MedGen C2750747, MONDO:0013183, OMIM 613216.

Allele frequency attached by ClinVar (database versions not stated): gnomAD 0.00409 and 0.00387; 1000 Genomes Project 0.00100; ExAC 0.00319; 1000 Genomes Project 30x 0.00109; ESP Exome Variant Server 0.00249; gnomAD exomes 0.00323 and 0.00441; TOPMed 0.00329.

Submissions (8):

Labcorp Genetics (formerly Invitae), Labcorp
Classification: Benign. Last evaluated: 2026-01-27. Review status: criteria provided, single submitter. Criteria: Invitae Variant Classification Sherloc (09022015). Collection method: clinical testing. Allele origin: germline.

Blueprint Genetics
Classification: Likely benign. Last evaluated: 2024-11-27. Review status: criteria provided, single submitter. Criteria: ACMG Guidelines, 2015. Collection method: clinical testing. Allele origin: germline.

CeGaT Center for Human Genetics Tuebingen
Classification: Benign. Last evaluated: 2024-01-01. Review status: criteria provided, single submitter. Criteria: CeGaT Center For Human Genetics Tuebingen Variant Classification Criteria Version 2. Collection method: clinical testing. Allele origin: germline. Affected: yes. Observed: 1 variant allele.
Comment: TRPM1: BS1, BS2

Fulgent Genetics
Classification: Uncertain significance for Congenital stationary night blindness 1C. Last evaluated: 2018-10-31. Review status: criteria provided, single submitter. Criteria: ACMG Guidelines, 2015. Collection method: clinical testing. Allele origin: unknown.

Illumina Laboratory Services, Illumina
Classification: Likely benign for Congenital stationary night blindness 1C. Last evaluated: 2018-01-13. Review status: criteria provided, single submitter. Criteria: ICSL Variant Classification Criteria 13 December 2019. Collection method: clinical testing. Allele origin: germline.
Comment: This variant was observed in the ICSL laboratory as part of a predisposition screen in an ostensibly healthy population. It had not been previously curated by ICSL or reported in the Human Gene Mutation Database (HGMD: prior to June 1st, 2018), and was therefore a candidate for classification through an automated scoring system. Utilizing variant allele frequency, disease prevalence and penetrance estimates, and inheritance mode, an automated score was calculated to assess if this variant is too frequent to cause the disease. Based on the score and internal cut-off values, a variant classified as likely benign is not then subjected to further curation. The score for this variant resulted in a classification of likely benign for this disease.

Eurofins Ntd Llc (ga)
Classification: Uncertain significance. Last evaluated: 2013-11-20. Review status: criteria provided, single submitter. Criteria: EGL Classification Definitions 2015. Collection method: clinical testing. Allele origin: germline. Observed: 1 variant allele, 1 heterozygote.

PreventionGenetics, part of Exact Sciences
Classification: Likely benign for TRPM1-related condition. Last evaluated: 2020-12-21. Review status: no assertion criteria provided. Collection method: clinical testing. Allele origin: germline. Not counted in ClinVar's aggregate classification.
Comment: This variant is classified as likely benign based on ACMG/AMP sequence variant interpretation guidelines (Richards et al. 2015 PMID: 25741868, with internal and published modifications).

Department of Clinical Genetics, Copenhagen University Hospital, Rigshospitalet
Classification: Uncertain significance for Retinitis pigmentosa. Last evaluated: 2018-04-01. Review status: no assertion criteria provided. Collection method: research. Allele origin: unknown. Affected: yes. Study: VeluxRD. Not counted in ClinVar's aggregate classification.

Literature cited by the submitters: PubMed 30718709 (cited by Department of Clinical Genetics, Copenhagen University Hospital, Rigshospitalet).

NM_001252024.2(TRPM1):c.536C>T (p.Ser179Phe)

Gene: TRPM1 (transient receptor potential cation channel subfamily M member 1; minus strand). Cytogenetic location: 15q13.3.
Variant type: single nucleotide variant.
Coding change: c.536C>T on transcript NM_001252024.2 (MANE Select); coding-DNA position 536, C replaced by T.
Protein change: p.Ser179Phe; replaces serine 179 with phenylalanine.
Molecular consequence: missense variant.
Genome position (GRCh38, 1-based): chr15:31,067,145, G>A on the plus strand (C>T on the coding strand, the complement: TRPM1 is on the minus strand). VCF-style: chr15-31067145-G-A. GRCh37 (hg19) VCF-style: chr15-31359348-G-A.
Other names: c.587C>T (NM_001252020.1); c.587C>T, p.Ser196Phe (NM_001252020.2); c.470C>T, p.Ser157Phe (NM_002420.6); short protein forms S157F, S196F, S179F.
Identifiers: ClinVar variation 94063 (VCV000094063.43), dbSNP rs138886378, ClinGen allele CA221943.
Genomic context (GRCh38, chr15:31,067,145, plus strand): 5'-TTATTCTCCACGATGCCCCATGGAGCAATTCCTATAGCACAAACCCGGCCTCTGGACTTG[G>A]AGGAGTGGTCTTTCAAGGCATCCCCTACGTGGCTGATAACACCTGTGAGCAGCCATTGGT-3'
Protein context (NP_001238953.1, residues 169-189): HVGDALKDHS[Ser179Phe]KSRGRVCAIG